The following is an entry in ClinVar:

ClinVar aggregate classification (germline): Uncertain significance (1 of 4 stars; one submission).

Conditions:
Developmental and epileptic encephalopathy, 21 (DEE21). Also called: Early infantile epileptic encephalopathy 21. Identifiers: Orphanet 442835, MedGen C4014430, MONDO:0014360, OMIM 615833.

Allele frequency attached by ClinVar (database versions not stated): gnomAD 0.00001; ExAC 0.00007.
gnomAD v4.1: 38 of 1,614,038 alleles (0.0024%); highest among the groups gnomAD compares: South Asian, 0.038%; no homozygotes.

Submission:

Labcorp Genetics (formerly Invitae), Labcorp
Classification: Uncertain significance for Developmental and epileptic encephalopathy, 21. Last evaluated: 2022-08-22. Review status: criteria provided, single submitter. Criteria: Invitae Variant Classification Sherloc (09022015). Collection method: clinical testing. Allele origin: germline.
Comment: In summary, the available evidence is currently insufficient to determine the role of this variant in disease. Therefore, it has been classified as a Variant of Uncertain Significance. Algorithms developed to predict the effect of missense changes on protein structure and function are either unavailable or do not agree on the potential impact of this missense change (SIFT: "Deleterious"; PolyPhen-2: "Possibly Damaging"; Align-GVGD: "Class C0"). This variant has not been reported in the literature in individuals affected with NECAP1-related conditions. This variant is present in population databases (rs771902963, gnomAD 0.05%). This sequence change replaces alanine, which is neutral and non-polar, with serine, which is neutral and polar, at codon 81 of the NECAP1 protein (p.Ala81Ser).

NM_015509.4(NECAP1):c.241G>T (p.Ala81Ser)

Gene: NECAP1 (NECAP endocytosis associated 1; plus strand). Cytogenetic location: 12p13.31.
Variant type: single nucleotide variant.
Coding change: c.241G>T on transcript NM_015509.4 (MANE Select); coding-DNA position 241, G replaced by T.
Protein change: p.Ala81Ser; replaces alanine 81 with serine.
Molecular consequence: missense variant. On other transcripts: non-coding transcript variant (1).
Genome position (GRCh38, 1-based): chr12:8,090,239, G>T. VCF-style: chr12-8090239-G-T. GRCh37 (hg19) VCF-style: chr12-8242835-G-T.
Other names: short protein forms A81S.
Identifiers: ClinVar variation 2195352 (VCV002195352.4), dbSNP rs771902963, ClinGen allele CA6432201.
Genomic context (GRCh38, chr12:8,090,239, plus strand): 5'-TTCTCTTATCTGTCAGGGGAGCTCTTTGCTCAGGCACCAGTAGAACAATATCCTGGTATT[G>T]CTGTGGAGACGGTGACAGATTCTAGCCGCTACTTTGTAATCCGGATCCAGGATGGTACTG-3'
Protein context (NP_056324.2, residues 71-91): QAPVEQYPGI[Ala81Ser]VETVTDSSRY